The following is an entry in ClinVar:

ClinVar aggregate classification (germline): Uncertain significance (1 of 4 stars; one submission).

Submission:

GeneDx
Classification: Uncertain significance. Last evaluated: 2022-12-16. Review status: criteria provided, single submitter. Criteria: GeneDx Variant Classification Process June 2021. Collection method: clinical testing. Allele origin: germline. Affected: yes.
Comment: Not observed at significant frequency in large population cohorts (gnomAD); Frameshift variant predicted to result in protein truncation or nonsense mediated decay in a gene or region of a gene for which loss of function is not a well-established mechanism of disease; Has not been previously published as pathogenic or benign to our knowledge; Variants in candidate genes are classified as variants of uncertain significance in accordance with ACMG guidelines (Richards et al., 2015)

NM_032999.4(GTF2I):c.180_181del (p.Gly62fs)

Genes: GTF2I (general transcription factor IIi; plus strand), GTF2I-AS1 (GTF2I antisense RNA 1; minus strand). Cytogenetic location: 7q11.23.
Variant type: Deletion.
Coding change: c.180_181del on transcript NM_032999.4 (MANE Select); coding-DNA positions 180 to 181, 2 bases deleted (AA; older notation c.180_181delAA).
Protein change: p.Gly62fs; shifts the reading frame from glycine 62.
Molecular consequence: frameshift variant.
Genome position (GRCh38, 1-based): chr7:74,691,053-74,691,054, AA deleted; deleting any 2 consecutive bases within chr7:74,691,052-74,691,054 gives the same sequence; the c. name uses the placement nearest the transcript's 3' end. VCF-style (leftmost placement, unchanged base first): chr7-74691051-GAA-G. GRCh37 (hg19) VCF-style: chr7-74105383-GAA-G.
Other names: c.180_181del, p.Gly62fs (NM_001163636.3, NM_001280800.2, NM_001518.5 and 2 more transcripts); short protein forms G62fs.
Identifiers: ClinVar variation 4526985 (VCV004526985.1).